The following is an entry in ClinVar:

NM_182931.3(KMT2E):c.967A>G (p.Thr323Ala)

Gene: KMT2E (lysine methyltransferase 2E (inactive); plus strand). Cytogenetic location: 7q22.3.
Variant type: single nucleotide variant.
Coding change: c.967A>G on transcript NM_182931.3 (MANE Select); coding-DNA position 967, A replaced by G.
Protein change: p.Thr323Ala; replaces threonine 323 with alanine.
Molecular consequence: missense variant.
Genome position (GRCh38, 1-based): chr7:105,077,161, A>G. VCF-style: chr7-105077161-A-G. GRCh37 (hg19) VCF-style: chr7-104717608-A-G.
Other names: c.967A>G, p.Thr323Ala (NM_001410908.1, NM_018682.4); short protein forms T323A.
Identifiers: ClinVar variation 3674683 (VCV003674683.2).

ClinVar aggregate classification (germline): Uncertain significance (1 of 4 stars; one submission).

Submission:

Labcorp Genetics (formerly Invitae), Labcorp
Classification: Uncertain significance. Last evaluated: 2024-02-01. Review status: criteria provided, single submitter. Criteria: Invitae Variant Classification Sherloc (09022015). Collection method: clinical testing. Allele origin: germline.
Comment: This sequence change replaces threonine, which is neutral and polar, with alanine, which is neutral and non-polar, at codon 323 of the KMT2E protein (p.Thr323Ala). This variant is not present in population databases (gnomAD no frequency). This variant has not been reported in the literature in individuals affected with KMT2E-related conditions. Advanced modeling of protein sequence and biophysical properties (such as structural, functional, and spatial information, amino acid conservation, physicochemical variation, residue mobility, and thermodynamic stability) performed at Invitae indicates that this missense variant is not expected to disrupt KMT2E protein function with a negative predictive value of 80%. In summary, the available evidence is currently insufficient to determine the role of this variant in disease. Therefore, it has been classified as a Variant of Uncertain Significance.